The following is an entry in ClinVar:

ClinVar aggregate classification (germline): Benign/Likely benign. Review status: criteria provided, multiple submitters, no conflicts (2 of 4 stars). 4 submissions from 4 submitters: Benign (1); Likely benign (3). Last evaluated 2026-04-23.

Conditions:
Colorectal cancer, susceptibility to, 1. Also called: COLORECTAL ADENOMA AND CANCER, SUSCEPTIBILITY TO; COLORECTAL CANCER, SUSCEPTIBILITY TO, ON CHROMOSOME 9. Identifiers: MedGen C1837315, MONDO:0012132, OMIM 608812.

Allele frequency attached by ClinVar (database versions not stated): ExAC 0.00010.
gnomAD v4.1: 17 of 1,572,326 alleles (0.0011%); highest among the groups gnomAD compares: Middle Eastern, 0.021%; no homozygotes.

Submissions (4):

Myriad Genetics, Inc.
Classification: Benign for Colorectal cancer, susceptibility to, 1. Last evaluated: 2026-04-23. Review status: criteria provided, single submitter. Criteria: Myriad Autosomal Dominant, Autosomal Recessive and X-Linked Classification Criteria (2023). Collection method: clinical testing. Allele origin: unknown.
Comment: This variant is considered benign. This variant is a silent/synonymous amino acid change and it is not expected to impact splicing.

Labcorp Genetics (formerly Invitae), Labcorp
Classification: Likely benign. Last evaluated: 2024-05-26. Review status: criteria provided, single submitter. Criteria: Invitae Variant Classification Sherloc (09022015). Collection method: clinical testing. Allele origin: germline.

Ambry Genetics
Classification: Likely benign. Last evaluated: 2023-05-07. Review status: criteria provided, single submitter. Criteria: Ambry Variant Classification Scheme 2023. Collection method: clinical testing. Allele origin: germline.

Blueprint Genetics
Classification: Likely benign. Last evaluated: 2022-05-23. Review status: criteria provided, single submitter. Criteria: ACMG Guidelines, 2015. Collection method: clinical testing. Allele origin: germline.

NM_024642.5(GALNT12):c.324C>T (p.Ser108=)

Gene: GALNT12 (polypeptide N-acetylgalactosaminyltransferase 12; plus strand). Cytogenetic location: 9q22.33.
Variant type: single nucleotide variant.
Coding change: c.324C>T on transcript NM_024642.5 (MANE Select); coding-DNA position 324, C replaced by T.
Protein change: p.Ser108=; no amino-acid change (serine 108 retained).
Molecular consequence: synonymous variant.
Genome position (GRCh38, 1-based): chr9:98,808,022, C>T. VCF-style: chr9-98808022-C-T. GRCh37 (hg19) VCF-style: chr9-101570304-C-T.
Identifiers: ClinVar variation 2561001 (VCV002561001.6), dbSNP rs770344167, ClinGen allele CA5153910.
Genomic context (GRCh38, chr9:98,808,022, plus strand): 5'-CGAGGAGCTGCGGCTGCAGGAGGAGAGCGTGCGGCTGCACCAGATTAACATCTACCTCAG[C>T]GACCGCATCTCACTGCACCGCCGCCTGCCCGAGCGCTGGAACCCGCTGTGAGTGCACAGC-3'
Protein context (NP_078918.3, residues 98-118): VRLHQINIYL[Ser108=]DRISLHRRLP